The following is an entry in ClinVar:

NM_004260.4(RECQL4):c.789A>C (p.Arg263Ser)

Gene: RECQL4 (RecQ like helicase 4; minus strand). Cytogenetic location: 8q24.3.
Variant type: single nucleotide variant.
Coding change: c.789A>C on transcript NM_004260.4 (MANE Select); coding-DNA position 789, A replaced by C.
Protein change: p.Arg263Ser; replaces arginine 263 with serine.
Molecular consequence: missense variant.
Genome position (GRCh38, 1-based): chr8:144,516,330, T>G on the plus strand (A>C on the coding strand, the complement: RECQL4 is on the minus strand). VCF-style: chr8-144516330-T-G. GRCh37 (hg19) VCF-style: chr8-145741714-T-G.
Other names: short protein forms R263S.
Identifiers: ClinVar variation 1369766 (VCV001369766.6), dbSNP rs1430320264, ClinGen allele CA372689231.

ClinVar aggregate classification (germline): Uncertain significance (1 of 4 stars; one submission).

Conditions:
Baller-Gerold syndrome (BGS). Also called: CRANIOSYNOSTOSIS WITH RADIAL DEFECTS. Identifiers: Orphanet 1225, MedGen C0265308, MONDO:0009039, OMIM 218600.

Allele frequency attached by ClinVar (database versions not stated): gnomAD exomes below 0.00001.

Submission:

Labcorp Genetics (formerly Invitae), Labcorp
Classification: Uncertain significance for Baller-Gerold syndrome. Last evaluated: 2023-10-12. Review status: criteria provided, single submitter. Criteria: Invitae Variant Classification Sherloc (09022015). Collection method: clinical testing. Allele origin: germline.
Comment: This sequence change replaces arginine, which is basic and polar, with serine, which is neutral and polar, at codon 263 of the RECQL4 protein (p.Arg263Ser). This variant is present in population databases (no rsID available, gnomAD 0.003%). This variant has not been reported in the literature in individuals affected with RECQL4-related conditions. ClinVar contains an entry for this variant (Variation ID: 1369766). Advanced modeling of protein sequence and biophysical properties (such as structural, functional, and spatial information, amino acid conservation, physicochemical variation, residue mobility, and thermodynamic stability) performed at Invitae indicates that this missense variant is not expected to disrupt RECQL4 protein function. In summary, the available evidence is currently insufficient to determine the role of this variant in disease. Therefore, it has been classified as a Variant of Uncertain Significance.